The following is an entry in ClinVar:

ClinVar aggregate classification (germline): Uncertain significance (0 of 4 stars; one submission).

Conditions:
PLXNA4-related disorder. Also called: PLXNA4-related condition.

Submission:

PreventionGenetics, part of Exact Sciences
Classification: Uncertain significance for PLXNA4-related condition. Last evaluated: 2024-07-09. Review status: no assertion criteria provided. Collection method: clinical testing. Allele origin: germline.
Comment: The PLXNA4 c.1375C>T variant is predicted to result in the amino acid substitution p.Arg459Trp. To our knowledge, this variant has not been reported in the literature. This variant is reported in 0.0088% of alleles in individuals of Latino descent in gnomAD. At this time, the clinical significance of this variant is uncertain due to the absence of conclusive functional and genetic evidence.

NM_020911.2(PLXNA4):c.1375C>T (p.Arg459Trp)

Gene: PLXNA4 (plexin A4; minus strand). Cytogenetic location: 7q32.3.
Variant type: single nucleotide variant.
Coding change: c.1375C>T on transcript NM_020911.2 (MANE Select); coding-DNA position 1375, C replaced by T.
Protein change: p.Arg459Trp; replaces arginine 459 with tryptophan.
Molecular consequence: missense variant.
Genome position (GRCh38, 1-based): chr7:132,298,219, G>A on the plus strand (C>T on the coding strand, the complement: PLXNA4 is on the minus strand). VCF-style: chr7-132298219-G-A. GRCh37 (hg19) VCF-style: chr7-131982978-G-A.
Other names: c.1375C>T, p.Arg459Trp (NM_001393897.1); short protein forms R459W.
Identifiers: ClinVar variation 3353810 (VCV003353810.1).